The following is an entry in ClinVar:

ClinVar aggregate classification (germline): Uncertain significance (1 of 4 stars; one submission).

Conditions:
BDP1-related disorder. Also called: BDP1-related condition.

Submission:

PreventionGenetics, part of Exact Sciences
Classification: Uncertain significance for BDP1-related condition. Last evaluated: 2026-02-04. Review status: criteria provided, single submitter. Criteria: ACMG Guidelines, 2015. Collection method: clinical testing. Allele origin: germline.
Comment: The BDP1 c.4391A>G variant is predicted to result in the amino acid substitution p.Lys1464Arg. To our knowledge, this variant has not been reported in the literature or in a large population database (gnomAD), indicating this variant is rare. At this time, the clinical significance of this variant is uncertain due to the absence of conclusive functional and genetic evidence.

NM_018429.3(BDP1):c.4391A>G (p.Lys1464Arg)

Gene: BDP1 (BDP1 general transcription factor IIIB subunit; plus strand). Cytogenetic location: 5q13.2.
Variant type: single nucleotide variant.
Coding change: c.4391A>G on transcript NM_018429.3 (MANE Select); coding-DNA position 4391, A replaced by G.
Protein change: p.Lys1464Arg; replaces lysine 1464 with arginine.
Molecular consequence: missense variant.
Genome position (GRCh38, 1-based): chr5:71,513,328, A>G. VCF-style: chr5-71513328-A-G. GRCh37 (hg19) VCF-style: chr5-70809155-A-G.
Other names: short protein forms K1464R.
Identifiers: ClinVar variation 4994226 (VCV004994226.1).